The following is an entry in ClinVar:

ClinVar aggregate classification (germline): Uncertain significance (1 of 4 stars; one submission).

Allele frequency attached by ClinVar (database versions not stated): gnomAD exomes below 0.00001; ExAC 0.00001.
gnomAD v4.1: 1 of 1,613,958 alleles (0.000062%); highest among the groups gnomAD compares: Non-Finnish European, 0.000085%; no homozygotes.

Submission:

Labcorp Genetics (formerly Invitae), Labcorp
Classification: Uncertain significance. Last evaluated: 2025-11-06. Review status: criteria provided, single submitter. Criteria: Invitae Variant Classification Sherloc (09022015). Collection method: clinical testing. Allele origin: germline.
Comment: This sequence change replaces valine, which is neutral and non-polar, with isoleucine, which is neutral and non-polar, at codon 162 of the MSH3 protein (p.Val162Ile). This variant is not present in population databases (gnomAD no frequency). This variant has not been reported in the literature in individuals affected with MSH3-related conditions. ClinVar contains an entry for this variant (Variation ID: 1470477). An algorithm developed to predict the effect of missense changes on protein structure and function outputs the following: PolyPhen-2: "Benign". The isoleucine amino acid residue is found in multiple mammalian species, which suggests that this missense change does not adversely affect protein function. In summary, the available evidence is currently insufficient to determine the role of this variant in disease. Therefore, it has been classified as a Variant of Uncertain Significance.

NM_002439.5(MSH3):c.484G>A (p.Val162Ile)

Gene: MSH3 (mutS homolog 3; plus strand). Cytogenetic location: 5q14.1.
Variant type: single nucleotide variant.
Coding change: c.484G>A on transcript NM_002439.5 (MANE Select); coding-DNA position 484, G replaced by A.
Protein change: p.Val162Ile; replaces valine 162 with isoleucine.
Molecular consequence: missense variant.
Genome position (GRCh38, 1-based): chr5:80,665,268, G>A. VCF-style: chr5-80665268-G-A. GRCh37 (hg19) VCF-style: chr5-79961087-G-A.
Other names: short protein forms V162I.
Identifiers: ClinVar variation 1470477 (VCV001470477.8), dbSNP rs765418313, ClinGen allele CA3327611.
Genomic context (GRCh38, chr5:80,665,268, plus strand): 5'-TGCGATTCTGCCCTTCCTCAAAGTAGAGTCCAGACAGAATCTCTGCAGGAGAGATTTGCA[G>A]TTCTGCCAAAATGTACTGATTTTGATGATATCAGTCTTCTACACGCAAAGAATGCAGTTT-3'
Protein context (NP_002430.3, residues 152-172): QTESLQERFA[Val162Ile]LPKCTDFDDI